The following is an entry in ClinVar:

ClinVar aggregate classification (germline): Uncertain significance (1 of 4 stars; one submission).

Submission:

GeneDx
Classification: Uncertain significance. Last evaluated: 2018-02-26. Review status: criteria provided, single submitter. Criteria: GeneDx Variant Classification (06012015). Collection method: clinical testing. Allele origin: germline. Affected: yes.
Comment: The c.3197_3202dupGTCCTG variant has not been published as a pathogenic variant, nor has it been reported as a benign variant to our knowledge. The variant is not observed in large population cohorts (Lek et al., 2016). The variant results in the in-frame duplication of 2 conserved amino acids. In-silico analyses, including protein predictors and evolutionary conservation, support a deleterious effect. In summary, based on the currently available information, it is unclear whether this variant is a pathogenic variant or a rare benign variant.

NM_080680.3(COL11A2):c.3197_3202dup (p.Gly1066_Pro1067dup)

Gene: COL11A2 (collagen type XI alpha 2 chain; minus strand). Cytogenetic location: 6p21.32.
Variant type: Duplication.
Coding change: c.3197_3202dup on transcript NM_080680.3 (MANE Select); coding-DNA positions 3197 to 3202, 6 bases duplicated (GTCCTG; older notation c.3197_3202dupGTCCTG).
Protein change: p.Gly1066_Pro1067dup.
Molecular consequence: inframe insertion.
Genome position (GRCh38, 1-based): chr6:33,171,523-33,171,528, CAGGAC duplicated on the plus strand (GTCCTG on the coding strand, the reverse complement: COL11A2 is on the minus strand); duplicating any 6 consecutive bases within chr6:33,171,523-33,171,529 gives the same sequence; the c. name uses the placement nearest the transcript's 3' end. VCF-style (leftmost placement, unchanged base first): chr6-33171522-A-ACAGGAC. GRCh37 (hg19) VCF-style: chr6-33139299-A-ACAGGAC.
Other names: c.3197_3202dupGTCCTG (NM_080680.2); c.2876_2881dup, p.Gly959_Pro960dup (NM_080679.3); c.2939_2944dup, p.Gly980_Pro981dup (NM_080681.3).
Identifiers: ClinVar variation 504347 (VCV000504347.2), dbSNP rs1554216723, ClinGen allele CA658796734.